The following is an entry in ClinVar:

NM_207037.2(TCF12):c.128G>A (p.Ser43Asn)

Gene: TCF12 (transcription factor 12; plus strand). Cytogenetic location: 15q21.3.
Variant type: single nucleotide variant.
Coding change: c.128G>A on transcript NM_207037.2 (MANE Select); coding-DNA position 128, G replaced by A.
Protein change: p.Ser43Asn; replaces serine 43 with asparagine.
Molecular consequence: missense variant. On other transcripts: 5 prime UTR variant (3).
Genome position (GRCh38, 1-based): chr15:56,921,078, G>A. VCF-style: chr15-56921078-G-A. GRCh37 (hg19) VCF-style: chr15-57213276-G-A.
Other names: c.128G>A, p.Ser43Asn (NM_001322151.2, NM_001322152.2, NM_001322157.3 and 8 more transcripts); c.-525G>A (NM_001322154.2); c.-109G>A (NM_001322156.2, NM_001322158.2); short protein forms S43N.
Identifiers: ClinVar variation 4527366 (VCV004527366.1).

ClinVar aggregate classification (germline): Uncertain significance (1 of 4 stars; one submission).

Submission:

GeneDx
Classification: Uncertain significance. Last evaluated: 2025-04-23. Review status: criteria provided, single submitter. Criteria: GeneDx Variant Classification Process June 2021. Collection method: clinical testing. Allele origin: germline. Affected: yes.
Comment: Not observed at significant frequency in large population cohorts (gnomAD); In silico analysis indicates that this missense variant does not alter protein structure/function; Has not been previously published as pathogenic or benign to our knowledge